The following is an entry in ClinVar:

NM_003872.3(NRP2):c.2029G>A (p.Asp677Asn)

Genes: NRP2 (neuropilin 2; plus strand), LOC126806481 (CDK7 strongly-dependent group 2 enhancer GRCh37_chr2:206617009-206618208; plus strand). Cytogenetic location: 2q33.3.
Variant type: single nucleotide variant.
Coding change: c.2029G>A on transcript NM_003872.3 (MANE Select); coding-DNA position 2029, G replaced by A.
Protein change: p.Asp677Asn; replaces aspartic acid 677 with asparagine.
Molecular consequence: missense variant.
Genome position (GRCh38, 1-based): chr2:205,752,960, G>A. VCF-style: chr2-205752960-G-A. GRCh37 (hg19) VCF-style: chr2-206617684-G-A.
Other names: c.2029G>A, p.Asp677Asn (NM_018534.4, NM_201266.2, NM_201267.2 and 1 more transcripts); short protein forms D677N.
Identifiers: ClinVar variation 3353484 (VCV003353484.1).

ClinVar aggregate classification (germline): Uncertain significance (0 of 4 stars; one submission).

Conditions:
NRP2-related disorder. Also called: NRP2-related condition.

gnomAD v4.1: 18 of 1,613,446 alleles (0.0011%); highest among the groups gnomAD compares: Non-Finnish European, 0.0014%; no homozygotes.

Submission:

PreventionGenetics, part of Exact Sciences
Classification: Uncertain significance for NRP2-related condition. Last evaluated: 2024-08-06. Review status: no assertion criteria provided. Collection method: clinical testing. Allele origin: germline.
Comment: The NRP2 c.2029G>A variant is predicted to result in the amino acid substitution p.Asp677Asn. To our knowledge, this variant has not been reported in the literature. This variant is reported in 0.0031% of alleles in individuals of European (Non-Finnish) descent in gnomAD. At this time, the clinical significance of this variant is uncertain due to the absence of conclusive functional and genetic evidence.